The following is an entry in ClinVar:

ClinVar aggregate classification (germline): Uncertain significance. Review status: criteria provided, multiple submitters, no conflicts (2 of 4 stars). 2 submissions from 2 submitters: Uncertain significance (2). Last evaluated 2024-10-08.

Submissions (2):

Ambry Genetics
Classification: Uncertain significance. Last evaluated: 2024-10-08. Review status: criteria provided, single submitter. Criteria: Ambry Variant Classification Scheme 2023. Collection method: clinical testing. Allele origin: germline.

Labcorp Genetics (formerly Invitae), Labcorp
Classification: Uncertain significance. Last evaluated: 2024-05-08. Review status: criteria provided, single submitter. Criteria: Invitae Variant Classification Sherloc (09022015). Collection method: clinical testing. Allele origin: germline.
Comment: This sequence change replaces asparagine, which is neutral and polar, with threonine, which is neutral and polar, at codon 188 of the NEXMIF protein (p.Asn188Thr). This variant is not present in population databases (gnomAD no frequency). This variant has not been reported in the literature in individuals affected with NEXMIF-related conditions. ClinVar contains an entry for this variant (Variation ID: 541128). An algorithm developed to predict the effect of missense changes on protein structure and function (PolyPhen-2) suggests that this variant is likely to be tolerated. In summary, the available evidence is currently insufficient to determine the role of this variant in disease. Therefore, it has been classified as a Variant of Uncertain Significance.

NM_001008537.3(NEXMIF):c.563A>C (p.Asn188Thr)

Gene: NEXMIF (neurite extension and migration factor; minus strand). Cytogenetic location: Xq13.3.
Variant type: single nucleotide variant.
Coding change: c.563A>C on transcript NM_001008537.3 (MANE Select); coding-DNA position 563, A replaced by C.
Protein change: p.Asn188Thr; replaces asparagine 188 with threonine.
Molecular consequence: missense variant.
Genome position (GRCh38, 1-based): chrX:74,743,994, T>G on the plus strand (A>C on the coding strand, the complement: NEXMIF is on the minus strand). VCF-style: chrX-74743994-T-G. GRCh37 (hg19) VCF-style: chrX-73963829-T-G.
Other names: short protein forms N188T.
Identifiers: ClinVar variation 541128 (VCV000541128.10), dbSNP rs753449220, ClinGen allele CA413673050.
Genomic context (GRCh38, chrX:74,743,994, plus strand): 5'-GGGAAGCCTAGGAGCTGGTCTGAGAGCAGCTGCTCTCCATATTTCATATTTTCTCCAGCA[T>G]TAATACACTGAATCCCTATATCAGAGACTGCACACGTTTCATAATCCCTATTTAGATCAC-3'
Protein context (NP_001008537.1, residues 178-198): AVSDIGIQCI[Asn188Thr]AGENMKYGEQ